The following is an entry in ClinVar:

NM_000038.6(APC):c.8162G>T (p.Arg2721Leu)

Gene: APC (APC regulator of Wnt signaling pathway; plus strand). Cytogenetic location: 5q22.2.
Variant type: single nucleotide variant.
Coding change: c.8162G>T on transcript NM_000038.6 (MANE Select); coding-DNA position 8162, G replaced by T.
Protein change: p.Arg2721Leu; replaces arginine 2721 with leucine.
Molecular consequence: missense variant.
Genome position (GRCh38, 1-based): chr5:112,843,756, G>T. VCF-style: chr5-112843756-G-T. GRCh37 (hg19) VCF-style: chr5-112179453-G-T.
Other names: c.8162G>T, p.Arg2721Leu (NM_001127510.3, NM_001354895.2); c.8108G>T, p.Arg2703Leu (NM_001127511.3); c.8216G>T, p.Arg2739Leu (NM_001354896.2); c.8192G>T, p.Arg2731Leu (NM_001354897.2); c.8087G>T, p.Arg2696Leu (NM_001354898.2); c.8078G>T, p.Arg2693Leu (NM_001354899.2); c.8039G>T, p.Arg2680Leu (NM_001354900.2); c.7985G>T, p.Arg2662Leu (NM_001354901.2); and 5 more; short protein forms R2696L, R2438L, R2561L, R2630L, R2703L, R2731L, R2662L, R2693L.
Identifiers: ClinVar variation 835595 (VCV000835595.12), dbSNP rs587780606, ClinGen allele CA16039052.

ClinVar aggregate classification (germline): Uncertain significance. Review status: criteria provided, multiple submitters, no conflicts (2 of 4 stars). 2 submissions from 2 submitters: Uncertain significance (2). Last evaluated 2022-09-13.

Conditions:
Familial adenomatous polyposis 1 (FAP1). Also called: POLYPOSIS, ADENOMATOUS INTESTINAL; FAMILIAL ADENOMATOUS POLYPOSIS 1, ATTENUATED. Identifiers: MedGen C2713442, MONDO:0021056, OMIM 175100. Disease mechanism: loss of function.

gnomAD v4.1: 2 of 1,613,916 alleles (0.00012%); highest among the groups gnomAD compares: Non-Finnish European, 0.00017%; no homozygotes.

Submissions (2):

GeneDx
Classification: Uncertain significance. Last evaluated: 2022-09-13. Review status: criteria provided, single submitter. Criteria: GeneDx Variant Classification Process June 2021. Collection method: clinical testing. Allele origin: germline. Affected: yes.
Comment: Not observed at significant frequency in large population cohorts (gnomAD); In silico analysis supports that this missense variant does not alter protein structure/function; Has not been previously published as pathogenic or benign to our knowledge; This variant is associated with the following publications: (PMID: 18199528)

Labcorp Genetics (formerly Invitae), Labcorp
Classification: Uncertain significance for Familial adenomatous polyposis 1. Last evaluated: 2019-03-14. Review status: criteria provided, single submitter. Criteria: Invitae Variant Classification Sherloc (09022015). Collection method: clinical testing. Allele origin: germline.
Comment: In summary, the available evidence is currently insufficient to determine the role of this variant in disease. Therefore, it has been classified as a Variant of Uncertain Significance. Algorithms developed to predict the effect of missense changes on protein structure and function are either unavailable or do not agree on the potential impact of this missense change (SIFT: "Deleterious"; PolyPhen-2: "Benign"; Align-GVGD: "Class C0"). This variant has not been reported in the literature in individuals with APC-related conditions. This variant is not present in population databases (ExAC no frequency). This sequence change replaces arginine with leucine at codon 2721 of the APC protein (p.Arg2721Leu). The arginine residue is moderately conserved and there is a moderate physicochemical difference between arginine and leucine.